The following is an entry in ClinVar:

NM_002691.4(POLD1):c.495A>G (p.Gln165=)

Gene: POLD1 (DNA polymerase delta 1, catalytic subunit; plus strand). Cytogenetic location: 19q13.33.
Variant type: single nucleotide variant.
Coding change: c.495A>G on transcript NM_002691.4 (MANE Select); coding-DNA position 495, A replaced by G.
Protein change: p.Gln165=; no amino-acid change (glutamine 165 retained).
Molecular consequence: synonymous variant. On other transcripts: non-coding transcript variant (1).
Genome position (GRCh38, 1-based): chr19:50,402,030, A>G. VCF-style: chr19-50402030-A-G. GRCh37 (hg19) VCF-style: chr19-50905287-A-G.
Other names: c.495A>G, p.Gln165= (NM_001256849.1, NM_001308632.1).
Identifiers: ClinVar variation 391075 (VCV000391075.18), dbSNP rs756717437, ClinGen allele CA9595763.

ClinVar aggregate classification (germline): Likely benign. Review status: criteria provided, multiple submitters, no conflicts (2 of 4 stars). 4 submissions from 4 submitters: Likely benign (4). Last evaluated 2026-09-01.

Conditions:
Hereditary cancer-predisposing syndrome. Also called: Hereditary neoplastic syndrome; Neoplastic Syndromes, Hereditary; Hereditary Cancer Syndrome; Tumor predisposition. Identifiers: Orphanet 140162, MedGen C0027672, MeSH D009386, MONDO:0015356.
POLD1-related polyposis and colorectal cancer syndrome (CRCS10). Also called: Colorectal cancer 10; Colorectal cancer, susceptibility to, 10; COLORECTAL CANCER, SUSCEPTIBILITY TO, ON CHROMOSOME 19q. Identifiers: Orphanet 220460, MedGen C2675481, MONDO:0012953, OMIM 612591.

Allele frequency attached by ClinVar (database versions not stated): ExAC 0.00002; gnomAD 0.00003; TOPMed 0.00003; gnomAD exomes 0.00004.
gnomAD v4.1: 31 of 1,613,910 alleles (0.0019%); highest among the groups gnomAD compares: East Asian, 0.027%; no homozygotes.

Submissions (4):

CeGaT Center for Human Genetics Tuebingen
Classification: Likely benign. Last evaluated: 2026-09-01. Review status: criteria provided, single submitter. Criteria: CeGaT Center For Human Genetics Tuebingen Variant Classification Criteria Version 2. Collection method: clinical testing. Allele origin: germline. Affected: yes. Observed: 1 variant allele.
Comment: POLD1: BP4, BP7

Labcorp Genetics (formerly Invitae), Labcorp
Classification: Likely benign for POLD1-related polyposis and colorectal cancer syndrome. Last evaluated: 2026-02-02. Review status: criteria provided, single submitter. Criteria: Invitae Variant Classification Sherloc (09022015). Collection method: clinical testing. Allele origin: germline.

GeneDx
Classification: Likely benign. Last evaluated: 2019-12-09. Review status: criteria provided, single submitter. Criteria: GeneDx Variant Classification Process June 2021. Collection method: clinical testing. Allele origin: germline. Affected: yes.

Ambry Genetics
Classification: Likely benign for Hereditary cancer-predisposing syndrome. Last evaluated: 2017-07-20. Review status: criteria provided, single submitter. Criteria: Ambry Variant Classification Scheme 2023. Collection method: clinical testing. Allele origin: germline.